The following is an entry in ClinVar:

NM_015656.2(KIF26A):c.5549G>A (p.Cys1850Tyr)

Gene: KIF26A (kinesin family member 26A; plus strand). Cytogenetic location: 14q32.33.
Variant type: single nucleotide variant.
Coding change: c.5549G>A on transcript NM_015656.2 (MANE Select); coding-DNA position 5549, G replaced by A.
Protein change: p.Cys1850Tyr; replaces cysteine 1850 with tyrosine.
Molecular consequence: missense variant.
Genome position (GRCh38, 1-based): chr14:104,179,690, G>A. VCF-style: chr14-104179690-G-A. GRCh37 (hg19) VCF-style: chr14-104646027-G-A.
Other names: short protein forms C1850Y.
Identifiers: ClinVar variation 3770661 (VCV003770661.13).

ClinVar aggregate classification (germline): Likely benign (1 of 4 stars; one submission).

Submission:

CeGaT Center for Human Genetics Tuebingen
Classification: Likely benign. Last evaluated: 2025-11-01. Review status: criteria provided, single submitter. Criteria: CeGaT Center For Human Genetics Tuebingen Variant Classification Criteria Version 2. Collection method: clinical testing. Allele origin: germline. Affected: yes. Observed: 2 variant alleles.
Comment: KIF26A: PP3, BS2